The following is an entry in ClinVar:

NM_013352.4(DSE):c.2146C>T (p.Arg716Cys)

Gene: DSE (dermatan sulfate epimerase; plus strand). Cytogenetic location: 6q22.1.
Variant type: single nucleotide variant.
Coding change: c.2146C>T on transcript NM_013352.4 (MANE Select); coding-DNA position 2146, C replaced by T.
Protein change: p.Arg716Cys; replaces arginine 716 with cysteine.
Molecular consequence: missense variant. On other transcripts: 3 prime UTR variant (2), non-coding transcript variant (1).
Genome position (GRCh38, 1-based): chr6:116,436,614, C>T. VCF-style: chr6-116436614-C-T. GRCh37 (hg19) VCF-style: chr6-116757777-C-T.
Other names: c.2146C>T, p.Arg716Cys (NM_001080976.3, NM_001322937.2, NM_001322938.2); c.2203C>T, p.Arg735Cys (NM_001322939.2); c.1585C>T, p.Arg529Cys (NM_001322940.2, NM_001322941.2); c.*1011C>T (NM_001322943.2, NM_001322944.2); c.1147C>T, p.Arg383Cys (NM_001374520.1); c.1111C>T, p.Arg371Cys (NM_001374521.1); short protein forms R529C, R716C, R371C, R383C, R735C.
Identifiers: ClinVar variation 1414336 (VCV001414336.6), dbSNP rs762120249, ClinGen allele CA3969768.

ClinVar aggregate classification (germline): Uncertain significance (1 of 4 stars; one submission).

Conditions:
Ehlers-Danlos syndrome, musculocontractural type 2 (EDSMC2). Identifiers: Orphanet 2953, MedGen C3809845, MONDO:0014236, OMIM 615539.

gnomAD v4.1: 7 of 1,614,094 alleles (0.00043%); highest among the groups gnomAD compares: East Asian, 0.0045%; no homozygotes.

Submission:

Labcorp Genetics (formerly Invitae), Labcorp
Classification: Uncertain significance for Ehlers-Danlos syndrome, musculocontractural type 2. Last evaluated: 2023-07-17. Review status: criteria provided, single submitter. Criteria: Invitae Variant Classification Sherloc (09022015). Collection method: clinical testing. Allele origin: germline.
Comment: In summary, the available evidence is currently insufficient to determine the role of this variant in disease. Therefore, it has been classified as a Variant of Uncertain Significance. An algorithm developed to predict the effect of missense changes on protein structure and function (PolyPhen-2) suggests that this variant is likely to be disruptive. ClinVar contains an entry for this variant (Variation ID: 1414336). This variant has not been reported in the literature in individuals affected with DSE-related conditions. This variant is present in population databases (rs762120249, gnomAD 0.006%). This sequence change replaces arginine, which is basic and polar, with cysteine, which is neutral and slightly polar, at codon 716 of the DSE protein (p.Arg716Cys).